The following is an entry in ClinVar:

ClinVar aggregate classification (germline): Uncertain significance. Review status: criteria provided, multiple submitters, no conflicts (2 of 4 stars). 2 submissions from 2 submitters: Uncertain significance (2). Last evaluated 2026-02-18.

Conditions:
Wilson disease (WND). Also called: Wilson's disease. Identifiers: Orphanet 905, MedGen C0019202, MONDO:0010200, OMIM 277900. Disease mechanism: loss of function.

Allele frequency attached by ClinVar (database versions not stated): gnomAD exomes below 0.00001.

Submissions (2):

Dasa
Classification: Uncertain significance. Last evaluated: 2026-02-18. Review status: criteria provided, single submitter. Criteria: DASA Assertion Criteria. Collection method: clinical testing. Allele origin: germline.
Comment: NM_000053.4(ATP7B):c.487G>A (p.Gly163Ser) is a missense variant that results in the substitution of glycine with serine. This variant is rare in population databases. The currently available literature and clinical evidence are not sufficient to establish a definitive association between this variant and the reported condition. Therefore, this variant is classified as a variant of uncertain significance.

All of Us Research Program, National Institutes of Health
Classification: Uncertain significance for Wilson disease. Last evaluated: 2023-11-30. Review status: criteria provided, single submitter. Criteria: ACMG Guidelines, 2015. Collection method: clinical testing. Allele origin: germline. Inheritance: Autosomal recessive inheritance. Observed: 1 variant allele, 1 heterozygote.
Comment: This study involves interpretation of variants in research participants for the purpose of population health screening. Participant phenotype was not available at the time of variant classification. Additional details can be found in publication PMID: 35346344, PMCID: PMC8962531

NM_000053.4(ATP7B):c.487G>A (p.Gly163Ser)

Gene: ATP7B (ATPase copper transporting beta; minus strand). Cytogenetic location: 13q14.3.
Variant type: single nucleotide variant.
Coding change: c.487G>A on transcript NM_000053.4 (MANE Select); coding-DNA position 487, G replaced by A.
Protein change: p.Gly163Ser; replaces glycine 163 with serine.
Molecular consequence: missense variant.
Genome position (GRCh38, 1-based): chr13:51,974,733, C>T on the plus strand (G>A on the coding strand, the complement: ATP7B is on the minus strand). VCF-style: chr13-51974733-C-T. GRCh37 (hg19) VCF-style: chr13-52548869-C-T.
Other names: c.487G>A, p.Gly163Ser (NM_001005918.3, NM_001243182.2, NM_001330578.2 and 30 more transcripts); c.391G>A, p.Gly131Ser (NM_001406517.1, NM_001406518.1, NM_001406530.1 and 4 more transcripts); short protein forms G131S, G163S.
Identifiers: ClinVar variation 3073941 (VCV003073941.3), dbSNP rs2140100100, ClinGen allele CA388043911.